The following is an entry in ClinVar:

ClinVar aggregate classification (germline): Uncertain significance (1 of 4 stars; one submission).

Allele frequency attached by ClinVar (database versions not stated): gnomAD exomes below 0.00001; gnomAD 0.00001.
gnomAD v4.1: 2 of 1,613,900 alleles (0.00012%); highest among the groups gnomAD compares: Non-Finnish European, 0.00017%; no homozygotes.

Submission:

Greenwood Genetic Center Diagnostic Laboratories, Greenwood Genetic Center
Classification: Uncertain significance. Last evaluated: 2021-07-15. Review status: criteria provided, single submitter. Criteria: ACMG Guidelines, 2015. Collection method: clinical testing. Allele origin: germline. Affected: yes.
Comment: PM2

NM_030632.3(ASXL3):c.2047A>G (p.Ile683Val)

Gene: ASXL3 (ASXL transcriptional regulator 3; plus strand). Cytogenetic location: 18q12.1.
Variant type: single nucleotide variant.
Coding change: c.2047A>G on transcript NM_030632.3 (MANE Select); coding-DNA position 2047, A replaced by G.
Protein change: p.Ile683Val; replaces isoleucine 683 with valine.
Molecular consequence: missense variant.
Genome position (GRCh38, 1-based): chr18:33,739,451, A>G. VCF-style: chr18-33739451-A-G. GRCh37 (hg19) VCF-style: chr18-31319415-A-G.
Other names: short protein forms I683V.
Identifiers: ClinVar variation 1334540 (VCV001334540.4), dbSNP rs1222579256, ClinGen allele CA402177245.
Genomic context (GRCh38, chr18:33,739,451, plus strand): 5'-AACCAGAGAAATTCCACTGATGAAAACTTTCATGCATCTTTGATGTCAGAAATATCTCCA[A>G]TATCCACTTCACCTGAAATATCAGAAGCATCTCTTATGTCCAACTTACCATTAACATCTG-3'
Protein context (NP_085135.1, residues 673-693): HASLMSEISP[Ile683Val]STSPEISEAS